The following is an entry in ClinVar:

NM_001382567.1(STIM1):c.1762C>A (p.His588Asn)

Gene: STIM1 (stromal interaction molecule 1; plus strand). Cytogenetic location: 11p15.4.
Variant type: single nucleotide variant.
Coding change: c.1762C>A on transcript NM_001382567.1 (MANE Select); coding-DNA position 1762, C replaced by A.
Protein change: p.His588Asn; replaces histidine 588 with asparagine.
Molecular consequence: missense variant. On other transcripts: 3 prime UTR variant (4), non-coding transcript variant (3).
Genome position (GRCh38, 1-based): chr11:4,091,409, C>A. VCF-style: chr11-4091409-C-A. GRCh37 (hg19) VCF-style: chr11-4112639-C-A.
Other names: c.1987C>A, p.His663Asn (NM_001277961.3); c.*83C>A (NM_001277962.2, NM_001382578.1, NM_001382579.1 and 1 more transcripts); c.1765C>A, p.His589Asn (NM_001382566.1); c.1690C>A, p.His564Asn (NM_001382568.1); c.1534C>A, p.His512Asn (NM_001382569.1); c.1441C>A, p.His481Asn (NM_001382570.1); c.1189C>A, p.His397Asn (NM_001382571.1); c.1447C>A, p.His483Asn (NM_001382575.1, NM_001382576.1, NM_001382577.1); and 2 more; short protein forms H394N, H397N, H481N, H483N, H512N, H557N, H564N, H588N.
Identifiers: ClinVar variation 1713830 (VCV001713830.6), dbSNP rs2498542883, ClinGen allele CA379196863.

ClinVar aggregate classification (germline): Uncertain significance (1 of 4 stars; one submission).

Conditions:
Combined immunodeficiency due to STIM1 deficiency. Also called: STIM1 DEFICIENCY; IMMUNODEFICIENCY 10. Identifiers: Orphanet 169090, Orphanet 317430, MedGen C2748557, MONDO:0013008, OMIM 612783.
Myopathy with tubular aggregates (TAM). Also called: Tubular Aggregate Myopathy. Identifiers: Orphanet 2593, MedGen C0410207, MONDO:0008051.
Stormorken syndrome (STRMK). Also called: THROMBOCYTOPATHY, ASPLENIA, AND MIOSIS. Identifiers: Orphanet 3204, MedGen C1861451, MONDO:0008497, OMIM 185070.

Submission:

Labcorp Genetics (formerly Invitae), Labcorp
Classification: Uncertain significance for Myopathy with tubular aggregates; Combined immunodeficiency due to STIM1 deficiency; Stormorken syndrome. Last evaluated: 2023-11-13. Review status: criteria provided, single submitter. Criteria: Invitae Variant Classification Sherloc (09022015). Collection method: clinical testing. Allele origin: germline.
Comment: This sequence change replaces histidine, which is basic and polar, with asparagine, which is neutral and polar, at codon 557 of the STIM1 protein (p.His557Asn). This variant is not present in population databases (gnomAD no frequency). This variant has not been reported in the literature in individuals affected with STIM1-related conditions. ClinVar contains an entry for this variant (Variation ID: 1713830). Advanced modeling of protein sequence and biophysical properties (such as structural, functional, and spatial information, amino acid conservation, physicochemical variation, residue mobility, and thermodynamic stability) has been performed at Invitae for this missense variant, however the output from this modeling did not meet the statistical confidence thresholds required to predict the impact of this variant on STIM1 protein function. In summary, the available evidence is currently insufficient to determine the role of this variant in disease. Therefore, it has been classified as a Variant of Uncertain Significance.